The following is an entry in ClinVar:

NM_003482.4(KMT2D):c.2480_2481delinsGG (p.Gln827Arg)

Gene: KMT2D (lysine methyltransferase 2D; minus strand). Cytogenetic location: 12q13.12.
Variant type: Indel.
Coding change: c.2480_2481delinsGG on transcript NM_003482.4 (MANE Select); coding-DNA positions 2480 to 2481, AA replaced by GG.
Protein change: p.Gln827Arg; replaces glutamine 827 with arginine.
Molecular consequence: missense variant.
Genome position (GRCh38, 1-based): chr12:49,051,202-49,051,203, TT replaced by CC on the plus strand (AA replaced by GG on the coding strand, the reverse complement: KMT2D is on the minus strand). VCF-style: chr12-49051202-TT-CC. GRCh37 (hg19) VCF-style: chr12-49444985-TT-CC.
Other names: short protein forms Q827R.
Identifiers: ClinVar variation 3665434 (VCV003665434.2).

ClinVar aggregate classification (germline): Uncertain significance (1 of 4 stars; one submission).

Conditions:
Kabuki syndrome. Also called: NIIKAWA-KUROKI SYNDROME; Kabuki make-up syndrome. Identifiers: Orphanet 2322, MedGen C0796004, MONDO:0016512.

Submission:

Labcorp Genetics (formerly Invitae), Labcorp
Classification: Uncertain significance for Kabuki syndrome. Last evaluated: 2026-01-24. Review status: criteria provided, single submitter. Criteria: Invitae Variant Classification Sherloc (09022015). Collection method: clinical testing. Allele origin: germline.
Comment: This sequence change replaces glutamine, which is neutral and polar, with arginine, which is basic and polar, at codon 827 of the KMT2D protein (p.Gln827Arg). This variant is present in population databases (no rsID available, gnomAD 0.0006%). This variant has not been reported in the literature in individuals affected with KMT2D-related conditions. ClinVar contains an entry for this variant (Variation ID: 3665434). Experimental studies and prediction algorithms are not available or were not evaluated, and the functional significance of this variant is currently unknown. In summary, the available evidence is currently insufficient to determine the role of this variant in disease. Therefore, it has been classified as a Variant of Uncertain Significance.